The following is an entry in ClinVar:

ClinVar aggregate classification (germline): Likely benign. Review status: criteria provided, multiple submitters, no conflicts (2 of 4 stars). 4 submissions from 4 submitters: Likely benign (4). Last evaluated 2026-08-01.

Allele frequency attached by ClinVar (database versions not stated): gnomAD 0.00034 and 0.00041; ESP Exome Variant Server 0.00041; TOPMed 0.00041; gnomAD exomes 0.00058; 1000 Genomes Project 30x 0.00062; ExAC 0.00071; 1000 Genomes Project 0.00080.
gnomAD v4.1: 711 of 1,612,050 alleles (0.044%); highest among the groups gnomAD compares: Middle Eastern, 0.5%; 3 homozygotes.

Submissions (8):

CeGaT Center for Human Genetics Tuebingen
Classification: Likely benign. Last evaluated: 2026-08-01. Review status: criteria provided, single submitter. Criteria: CeGaT Center For Human Genetics Tuebingen Variant Classification Criteria Version 2. Collection method: clinical testing. Allele origin: germline. Affected: yes. Observed: 1 variant allele.
Comment: COL18A1: BP4

Labcorp Genetics (formerly Invitae), Labcorp
Classification: Likely benign. Last evaluated: 2026-01-17. Review status: criteria provided, single submitter. Criteria: Invitae Variant Classification Sherloc (09022015). Collection method: clinical testing. Allele origin: germline.

Blueprint Genetics
Classification: Likely benign. Last evaluated: 2024-11-01. Review status: criteria provided, single submitter. Criteria: ACMG Guidelines, 2015. Collection method: clinical testing. Allele origin: germline.

Breakthrough Genomics
Classification: Likely benign. Review status: criteria provided, single submitter. Criteria: ACMG Guidelines, 2015. Collection method: not provided. Allele origin: germline. Inheritance: Autosomal recessive inheritance. Affected: yes.

Dr. Peter K. Rogan Lab, Western University
No classification provided (evidence only). Condition: Lung cancer. Review status: no classification provided. Collection method: in vitro. Allele origin: not applicable. Functional consequence: skipped exon, retained intron. Not counted in ClinVar's aggregate classification.

Dr. Peter K. Rogan Lab, Western University
No classification provided (evidence only). Condition: Familial cancer of breast. Review status: no classification provided. Collection method: in vitro. Allele origin: not applicable. Functional consequence: skipped exon, retained intron. Not counted in ClinVar's aggregate classification.

Dr. Peter K. Rogan Lab, Western University
No classification provided (evidence only). Condition: Uterine corpus endometrial carcinoma. Review status: no classification provided. Collection method: in vitro. Allele origin: not applicable. Functional consequence: skipped exon. Not counted in ClinVar's aggregate classification.

Dr. Peter K. Rogan Lab, Western University
No classification provided (evidence only). Condition: Sarcoma. Review status: no classification provided. Collection method: in vitro. Allele origin: not applicable. Functional consequence: skipped exon. Not counted in ClinVar's aggregate classification.

NM_001379500.1(COL18A1):c.3217-6T>A

Genes: COL18A1 (collagen type XVIII alpha 1 chain; plus strand), SLC19A1 (solute carrier family 19 member 1; minus strand). Cytogenetic location: 21q22.3.
Variant type: single nucleotide variant.
Coding change: c.3217-6T>A on transcript NM_001379500.1 (MANE Select); 6 bases into the intron before coding-DNA position 3217, T replaced by A.
Molecular consequence: intron variant.
Genome position (GRCh38, 1-based): chr21:45,507,555, T>A. VCF-style: chr21-45507555-T-A. GRCh37 (hg19) VCF-style: chr21-46927469-T-A.
Other names: c.4462-6T>A (NM_130444.3); c.3757-6T>A (NM_030582.4).
Identifiers: ClinVar variation 1138654 (VCV001138654.13), dbSNP rs368420980, ClinGen allele CA10067789.